The following is an entry in ClinVar:

ClinVar aggregate classification (germline): Benign (0 of 4 stars; one submission).

Conditions:
KRT6C-related disorder. Also called: KRT6C-related condition.

Allele frequency attached by ClinVar (database versions not stated): ExAC 0.23405; 1000 Genomes Project 0.25240.

Submission:

PreventionGenetics, part of Exact Sciences
Classification: Benign for KRT6C-related condition. Last evaluated: 2024-01-03. Review status: no assertion criteria provided. Collection method: clinical testing. Allele origin: germline.
Comment: This variant is classified as benign based on ACMG/AMP sequence variant interpretation guidelines (Richards et al. 2015 PMID: 25741868, with internal and published modifications).

NM_173086.5(KRT6C):c.262G>A (p.Gly88Arg)

Gene: KRT6C (keratin 6C; minus strand). Cytogenetic location: 12q13.13.
Variant type: single nucleotide variant.
Coding change: c.262G>A on transcript NM_173086.5 (MANE Select); coding-DNA position 262, G replaced by A.
Protein change: p.Gly88Arg; replaces glycine 88 with arginine.
Molecular consequence: missense variant.
Genome position (GRCh38, 1-based): chr12:52,473,476, C>T on the plus strand (G>A on the coding strand, the complement: KRT6C is on the minus strand). VCF-style: chr12-52473476-C-T. GRCh37 (hg19) VCF-style: chr12-52867260-C-T.
Other names: short protein forms G88R.
Identifiers: ClinVar variation 3060577 (VCV003060577.2), dbSNP rs411107, ClinGen allele CA6581613.
Genomic context (GRCh38, chr12:52,473,476, plus strand): 5'-TGCCGGCTCCACCACCGAAACCAAATCCACTCCCGGCGCCACCAAAGCCATAGCTGCCTC[C>T]GGCTCTGCTGCCATAGCCGCCACTGATGGCACAGCTGCCCCCTCCAATGGAGATCCTCTT-3'
Protein context (NP_775109.2, residues 78-98): AISGGYGSRA[Gly88Arg]GSYGFGGAGS